The following is an entry in ClinVar:

NM_182961.4(SYNE1):c.4676A>T (p.Glu1559Val)

Gene: SYNE1 (spectrin repeat containing nuclear envelope protein 1; minus strand). Cytogenetic location: 6q25.2.
Variant type: single nucleotide variant.
Coding change: c.4676A>T on transcript NM_182961.4 (MANE Select); coding-DNA position 4676, A replaced by T.
Protein change: p.Glu1559Val; replaces glutamic acid 1559 with valine.
Molecular consequence: missense variant.
Genome position (GRCh38, 1-based): chr6:152,430,495, T>A on the plus strand (A>T on the coding strand, the complement: SYNE1 is on the minus strand). VCF-style: chr6-152430495-T-A. GRCh37 (hg19) VCF-style: chr6-152751630-T-A.
Other names: c.4697A>T, p.Glu1566Val (NM_033071.5); short protein forms E1566V, E1559V.
Identifiers: ClinVar variation 538391 (VCV000538391.10), dbSNP rs1554686616, ClinGen allele CA366141935.

ClinVar aggregate classification (germline): Uncertain significance. Review status: criteria provided, multiple submitters, no conflicts (2 of 4 stars). 2 submissions from 2 submitters: Uncertain significance (2). Last evaluated 2022-10-10.

Conditions:
Emery-Dreifuss muscular dystrophy 4, autosomal dominant (EDMD4). Also called: EMERY-DREIFUSS MUSCULAR DYSTROPHY 4 WITH VARIABLE FEATURES. Identifiers: Orphanet 261, MedGen C2751807, MONDO:0013071, OMIM 612998.
Autosomal recessive ataxia, Beauce type. Also called: Spinocerebellar ataxia, autosomal recessive 8; ATAXIA, RECESSIVE, OF BEAUCE; SYNE1-Related Autosomal Recessive Cerebellar Ataxia; SYNE1 Deficiency. Identifiers: Orphanet 88644, MedGen C1853116, MONDO:0012549, OMIM 610743.

Submissions (2):

Blueprint Genetics
Classification: Uncertain significance. Last evaluated: 2022-10-10. Review status: criteria provided, single submitter. Criteria: ACMG Guidelines, 2015. Collection method: clinical testing. Allele origin: germline.

Labcorp Genetics (formerly Invitae), Labcorp
Classification: Uncertain significance for Emery-Dreifuss muscular dystrophy 4, autosomal dominant; Autosomal recessive ataxia, Beauce type. Last evaluated: 2018-11-06. Review status: criteria provided, single submitter. Criteria: Invitae Variant Classification Sherloc (09022015). Collection method: clinical testing. Allele origin: germline.
Comment: This sequence change replaces glutamic acid with valine at codon 1566 of the SYNE1 protein (p.Glu1566Val). The glutamic acid residue is highly conserved and there is a moderate physicochemical difference between glutamic acid and valine. In summary, the available evidence is currently insufficient to determine the role of this variant in disease. Therefore, it has been classified as a Variant of Uncertain Significance. Algorithms developed to predict the effect of missense changes on protein structure and function do not agree on the potential impact of this missense change (SIFT: "Deleterious"; PolyPhen-2: "Benign"; Align-GVGD: "Class C0"). This variant has not been reported in the literature in individuals with SYNE1-related disease. This variant is not present in population databases (ExAC no frequency).